The following is an entry in ClinVar:

ClinVar aggregate classification (germline): Benign. Review status: criteria provided, multiple submitters, no conflicts (2 of 4 stars). 2 submissions from 2 submitters: Benign (2). Last evaluated 2018-06-19.

Allele frequency attached by ClinVar (database versions not stated): gnomAD exomes 0.19745; 1000 Genomes Project 0.22025; 1000 Genomes Project 30x 0.22283; gnomAD 0.22591 and 0.22833; TOPMed 0.23201.
gnomAD v4.1: 309,842 of 1,539,790 alleles (20%); highest among the groups gnomAD compares: Middle Eastern, 30%; 33,563 homozygotes.

Submissions (2):

GeneDx
Classification: Benign. Last evaluated: 2018-06-19. Review status: criteria provided, single submitter. Criteria: GeneDx Variant Classification (06012015). Collection method: clinical testing. Allele origin: germline. Affected: yes.
Comment: This variant is considered likely benign or benign based on one or more of the following criteria: it is a conservative change, it occurs at a poorly conserved position in the protein, it is predicted to be benign by multiple in silico algorithms, and/or has population frequency not consistent with disease.

Breakthrough Genomics
Classification: Benign. Review status: criteria provided, single submitter. Criteria: ACMG Guidelines, 2015. Collection method: not provided. Allele origin: germline. Inheritance: Autosomal recessive inheritance. Affected: yes.

NM_000530.8(MPZ):c.448+122C>T

Gene: MPZ (myelin protein zero; minus strand). Cytogenetic location: 1q23.3.
Variant type: single nucleotide variant.
Coding change: c.448+122C>T on transcript NM_000530.8 (MANE Select); 122 bases into the intron after coding-DNA position 448, C replaced by T.
Molecular consequence: intron variant.
Genome position (GRCh38, 1-based): chr1:161,306,586, G>A on the plus strand (C>T on the coding strand, the complement: MPZ is on the minus strand). VCF-style: chr1-161306586-G-A. GRCh37 (hg19) VCF-style: chr1-161276376-G-A.
Other names: c.448+122C>T (NM_001315491.2).
Identifiers: ClinVar variation 683190 (VCV000683190.2), dbSNP rs6685495, ClinGen allele CA10689099.